The following is an entry in ClinVar:

ClinVar aggregate classification (germline): Uncertain significance (1 of 4 stars; one submission).

Allele frequency attached by ClinVar (database versions not stated): gnomAD exomes below 0.00001; TOPMed below 0.00001.
gnomAD v4.1: 1 of 1,614,138 alleles (0.000062%); highest among the groups gnomAD compares: African/African-American, 0.0013%; no homozygotes.

Submission:

Labcorp Genetics (formerly Invitae), Labcorp
Classification: Uncertain significance. Last evaluated: 2021-09-24. Review status: criteria provided, single submitter. Criteria: Invitae Variant Classification Sherloc (09022015). Collection method: clinical testing. Allele origin: germline.
Comment: This sequence change replaces threonine with isoleucine at codon 285 of the UNC80 protein (p.Thr285Ile). The threonine residue is weakly conserved and there is a moderate physicochemical difference between threonine and isoleucine. This variant is not present in population databases (ExAC no frequency). This variant has not been reported in the literature in individuals affected with UNC80-related conditions. Algorithms developed to predict the effect of missense changes on protein structure and function are either unavailable or do not agree on the potential impact of this missense change (SIFT: "Not Available"; PolyPhen-2: "Benign"; Align-GVGD: "Not Available"). In summary, the available evidence is currently insufficient to determine the role of this variant in disease. Therefore, it has been classified as a Variant of Uncertain Significance.

NM_001371986.1(UNC80):c.854C>T (p.Thr285Ile)

Gene: UNC80 (unc-80 homolog, NALCN channel complex subunit; plus strand). Cytogenetic location: 2q34.
Variant type: single nucleotide variant.
Coding change: c.854C>T on transcript NM_001371986.1 (MANE Select); coding-DNA position 854, C replaced by T.
Protein change: p.Thr285Ile; replaces threonine 285 with isoleucine.
Molecular consequence: missense variant.
Genome position (GRCh38, 1-based): chr2:209,793,775, C>T. VCF-style: chr2-209793775-C-T. GRCh37 (hg19) VCF-style: chr2-210658499-C-T.
Other names: c.854C>T, p.Thr285Ile (NM_032504.2, NM_182587.4); short protein forms T285I.
Identifiers: ClinVar variation 1460542 (VCV001460542.5), dbSNP rs912341881, ClinGen allele CA64653794.